The following is an entry in ClinVar:

ClinVar aggregate classification (germline): Uncertain significance. Review status: criteria provided, multiple submitters, no conflicts (2 of 4 stars). 2 submissions from 2 submitters: Uncertain significance (2). Last evaluated 2023-08-14.

Allele frequency attached by ClinVar (database versions not stated): gnomAD exomes below 0.00001; ExAC 0.00001.
gnomAD v4.1: 4 of 1,614,060 alleles (0.00025%); highest among the groups gnomAD compares: Non-Finnish European, 0.00034%; no homozygotes.

Submissions (2):

Labcorp Genetics (formerly Invitae), Labcorp
Classification: Uncertain significance. Last evaluated: 2023-08-14. Review status: criteria provided, single submitter. Criteria: Invitae Variant Classification Sherloc (09022015). Collection method: clinical testing. Allele origin: germline.
Comment: This variant is present in population databases (rs752276045, gnomAD 0.002%). In summary, the available evidence is currently insufficient to determine the role of this variant in disease. Therefore, it has been classified as a Variant of Uncertain Significance. An algorithm developed to predict the effect of missense changes on protein structure and function (PolyPhen-2) suggests that this variant is likely to be disruptive. ClinVar contains an entry for this variant (Variation ID: 2252458). This variant has not been reported in the literature in individuals affected with TAOK2-related conditions. This sequence change replaces proline, which is neutral and non-polar, with leucine, which is neutral and non-polar, at codon 324 of the TAOK2 protein (p.Pro324Leu).

Ambry Genetics
Classification: Uncertain significance. Last evaluated: 2021-09-27. Review status: criteria provided, single submitter. Criteria: Ambry Variant Classification Scheme 2023. Collection method: clinical testing. Allele origin: germline.

NM_016151.4(TAOK2):c.971C>T (p.Pro324Leu)

Gene: TAOK2 (TAO kinase 2; plus strand). Cytogenetic location: 16p11.2.
Variant type: single nucleotide variant.
Coding change: c.971C>T on transcript NM_016151.4 (MANE Select); coding-DNA position 971, C replaced by T.
Protein change: p.Pro324Leu; replaces proline 324 with leucine.
Molecular consequence: missense variant.
Genome position (GRCh38, 1-based): chr16:29,982,873, C>T. VCF-style: chr16-29982873-C-T. GRCh37 (hg19) VCF-style: chr16-29994194-C-T.
Other names: c.971C>T, p.Pro324Leu (NM_001252043.2, NM_004783.4); short protein forms P324L.
Identifiers: ClinVar variation 2252458 (VCV002252458.5), dbSNP rs752276045, ClinGen allele CA7997988.
Genomic context (GRCh38, chr16:29,982,873, plus strand): 5'-TGGACAACCTGCAGTACCGCAAGATGAAGAAGATCCTGTTCCAAGAGGCACCCAACGGCC[C>T]TGGTGCCGAGGCCCCAGAGGAGGAAGAGGTGACCCAGCTTGCCCTAACACCCCTCTTTAT-3'
Protein context (NP_057235.2, residues 314-334): KILFQEAPNG[Pro324Leu]GAEAPEEEEE